The following is an entry in ClinVar:

NM_000548.5(TSC2):c.1946+2T>C

Gene: TSC2 (TSC complex subunit 2; plus strand). Cytogenetic location: 16p13.3.
Variant type: single nucleotide variant.
Coding change: c.1946+2T>C on transcript NM_000548.5 (MANE Select); the canonical splice donor site of the intron after coding-DNA position 1946, T replaced by C.
Molecular consequence: splice donor variant.
Genome position (GRCh38, 1-based): chr16:2,071,618, T>C. VCF-style: chr16-2071618-T-C. GRCh37 (hg19) VCF-style: chr16-2121619-T-C.
Other names: NC_000016.9:g.2121619T>C; c.602+2T>C (NM_001406693.1, NM_001406689.1, NM_001406690.1 and 6 more transcripts); c.2036+2T>C (NM_001406667.1, NM_001406668.1); c.1346+2T>C (NM_001406680.1, NM_001406683.1, NM_001406687.1 and 6 more transcripts); c.344+2T>C (NM_001406698.1); c.1946+2T>C (NM_001114382.3, NM_001406663.1, NM_001406664.1 and 6 more transcripts); c.1934+2T>C (NM_001406671.1, NM_001406673.1); c.1484+2T>C (NM_001406681.1); and 4 more.
Identifiers: ClinVar variation 65335 (VCV000065335.6), dbSNP rs397515247, ClinGen allele CA016272.

ClinVar aggregate classification (germline): Pathogenic. Review status: criteria provided, single submitter (1 of 4 stars). 2 submissions from 2 submitters: Pathogenic (1). 1 of the submissions does not count toward it. Last evaluated 2025-07-22.

Conditions:
Tuberous sclerosis syndrome (TSC). Also called: Tuberous Sclerosis Complex; Tuberous sclerosis. Identifiers: Orphanet 805, MedGen C0041341, MONDO:0001734.

Submissions (5):

GeneDx
Classification: Pathogenic. Last evaluated: 2025-07-22. Review status: criteria provided, single submitter. Criteria: GeneDx Variant Classification Process June 2021. Collection method: clinical testing. Allele origin: germline. Affected: yes.
Comment: Canonical splice site variant predicted to result in a null allele in a gene for which loss of function is a known mechanism of disease; Not observed at significant frequency in large population cohorts (gnomAD); Has not been previously published as pathogenic or benign to our knowledge; This variant is associated with the following publications: (PMID: 25525159, 15798777)

Dr. Peter K. Rogan Lab, Western University
No classification provided (evidence only). Condition: Uterine corpus endometrial carcinoma. Review status: no classification provided. Collection method: in vitro. Allele origin: not applicable. Functional consequence: retained intron. Not counted in ClinVar's aggregate classification.

Dr. Peter K. Rogan Lab, Western University
No classification provided (evidence only). Condition: Nonpapillary renal cell carcinoma. Review status: no classification provided. Collection method: in vitro. Allele origin: not applicable. Functional consequence: retained intron. Not counted in ClinVar's aggregate classification.

MutSpliceDB: a database of splice sites variants effects on splicing, NIH
No classification provided (evidence only). Review status: no classification provided. Collection method: in vivo. Allele origin: not applicable. Functional consequence: retained intron. Not counted in ClinVar's aggregate classification.

Tuberous sclerosis database (TSC2)
No classification provided. Condition: TSC. Review status: no classification provided. Criteria: Tuberous Sclerosis Database Assertion Criteria 2015. Collection method: curation. Allele origin: germline. Affected: yes. Not counted in ClinVar's aggregate classification.